The following is an entry in ClinVar:

ClinVar aggregate classification (germline): Uncertain significance (1 of 4 stars; one submission).

Submission:

Labcorp Genetics (formerly Invitae), Labcorp
Classification: Uncertain significance. Last evaluated: 2024-12-03. Review status: criteria provided, single submitter. Criteria: Invitae Variant Classification Sherloc (09022015). Collection method: clinical testing. Allele origin: germline.
Comment: This sequence change falls in intron 25 of the OPA1 gene. It does not directly change the encoded amino acid sequence of the OPA1 protein. This variant is not present in population databases (gnomAD no frequency). This variant has not been reported in the literature in individuals affected with OPA1-related conditions. ClinVar contains an entry for this variant (Variation ID: 1468927). Algorithms developed to predict the effect of sequence changes on RNA splicing suggest that this variant may disrupt the consensus splice site. In summary, the available evidence is currently insufficient to determine the role of this variant in disease. Therefore, it has been classified as a Variant of Uncertain Significance.

NM_130837.3(OPA1):c.2779-9_2779-7del

Gene: OPA1 (OPA1 mitochondrial dynamin like GTPase; plus strand). Cytogenetic location: 3q29.
Variant type: Deletion.
Coding change: c.2779-9_2779-7del on transcript NM_130837.3 (MANE Select); 9 bases into the intron before coding-DNA position 2779 through 7 bases into the intron before coding-DNA position 2779, 3 bases deleted (ATA; older notation c.2779-9_2779-7delATA).
Molecular consequence: intron variant.
Genome position (GRCh38, 1-based): chr3:193,666,287-193,666,289, ATA deleted; deleting any 3 consecutive bases within chr3:193,666,285-193,666,289 gives the same sequence; the c. name uses the placement nearest the transcript's 3' end. VCF-style (leftmost placement, unchanged base first): chr3-193666284-TTAA-T. GRCh37 (hg19) VCF-style: chr3-193384073-TTAA-T.
Other names: c.2242-9_2242-7del (NM_001354664.2); c.2245-9_2245-7del (NM_001354663.2); c.2668-9_2668-7del (NM_130834.3); c.2725-9_2725-7del (NM_130836.3); c.2614-9_2614-7del (NM_015560.3); c.2671-9_2671-7del (NM_130835.3); c.2560-9_2560-7del (NM_130832.3); c.2617-9_2617-7del (NM_130833.3); and 1 more.
Identifiers: ClinVar variation 1468927 (VCV001468927.8), dbSNP rs2109267687, ClinGen allele CA2573136891.
Genomic context (GRCh38, chr3:193,666,284, plus strand): 5'-GTTGTATGTGTTTACGATGATAGTTTTCATTTTAACTTTGCATCTGGTAATCTTAGTTAC[TTAA>T]TATTTCAGTTGGAATGCAATGATGTGGTCTTGTTTTGGCGTATACAGCGCATGCTTGCTA-3'